The following is an entry in ClinVar:

NM_177438.3(DICER1):c.5429A>G (p.Asp1810Gly)

Gene: DICER1 (dicer 1, ribonuclease III; minus strand). Cytogenetic location: 14q32.13.
Variant type: single nucleotide variant.
Coding change: c.5429A>G on transcript NM_177438.3 (MANE Select); coding-DNA position 5429, A replaced by G.
Protein change: p.Asp1810Gly; replaces aspartic acid 1810 with glycine.
Molecular consequence: missense variant. On other transcripts: intron variant (1).
Genome position (GRCh38, 1-based): chr14:95,091,301, T>C on the plus strand (A>G on the coding strand, the complement: DICER1 is on the minus strand). VCF-style: chr14-95091301-T-C. GRCh37 (hg19) VCF-style: chr14-95557638-T-C.
Other names: c.5429A>G, p.Asp1810Gly (NM_001271282.3, NM_001291628.2, NM_030621.4); c.5365-192A>G (NM_001195573.1); short protein forms D1810G.
Identifiers: ClinVar variation 933085 (VCV000933085.3), dbSNP rs1889808547, ClinGen allele CA390864675.
Genomic context (GRCh38, chr14:95,091,301, plus strand): 5'-ACTGTCTCCAGTGACATCCCACTATCCATGTAAATGGCACCAGCAAGCGACTCAAAAATA[T>C]CCCCCATGGCCTTTGGAACTTCAATATCCTCTTCTTTCTCTTCATCCTCCTCAGATCTCC-3'
Protein context (NP_803187.1, residues 1800-1820): EDIEVPKAMG[Asp1810Gly]IFESLAGAIY

ClinVar aggregate classification (germline): Pathogenic (1 of 4 stars; one submission).

Conditions:
DICER1-related tumor predisposition. Also called: DICER1-related pleuropulmonary blastoma cancer predisposition syndrome; DICER1 syndrome. Identifiers: Orphanet 284343, MedGen C3839822, MONDO:0100216.

Submission:

Foulkes Cancer Genetics LDI, Lady Davis Institute for Medical Research
Classification: Pathogenic for Pleuropulmonary blastoma. Last evaluated: 2019-07-01. Review status: criteria provided, single submitter. Criteria: ACMG Guidelines, 2015. Collection method: curation. Allele origin: somatic. Affected: yes. Observed: 2 variant alleles.
Comment: ACMG criteria met: PS3, PM1, PM2, PM7, PP3, PP4, BP1

Literature cited by the submitters: PubMed 21882293; PubMed 27459524; PubMed 24136150.